The following is an entry in ClinVar:

NM_021969.3(NR0B2):c.769A>G (p.Arg257Gly)

Genes: NR0B2 (nuclear receptor subfamily 0 group B member 2; minus strand), NUDC (nuclear distribution C, dynein complex regulator; plus strand). Cytogenetic location: 1p36.11.
Variant type: single nucleotide variant.
Coding change: c.769A>G on transcript NM_021969.3 (MANE Select); coding-DNA position 769, A replaced by G.
Protein change: p.Arg257Gly; replaces arginine 257 with glycine.
Molecular consequence: missense variant.
Genome position (GRCh38, 1-based): chr1:26,911,850, T>C on the plus strand (A>G on the coding strand, the complement: NR0B2 is on the minus strand). VCF-style: chr1-26911850-T-C. GRCh37 (hg19) VCF-style: chr1-27238341-T-C.
Other names: short protein forms R257G.
Identifiers: ClinVar variation 2636451 (VCV002636451.1), dbSNP rs978028065, ClinGen allele CA19829874.
Genomic context (GRCh38, chr1:26,911,850, plus strand): 5'-CTGAATCAGCACTGCCAGCCTCTGCCCACCTGATCTCTGCCTGGGCTGGAACAGGTCACC[T>C]GAGCAAAAGCATGTCCCCAAGAAGGCCAGCGATGTCAACATCTCCAATGATAGGGCGAAA-3'
Protein context (NP_068804.1, residues 247-257): AGLLGDMLLL[Arg257Gly]

ClinVar aggregate classification (germline): Uncertain significance (1 of 4 stars; one submission).

Conditions:
NR0B2-related disorder. Also called: NR0B2-related condition.

Submission:

PreventionGenetics, part of Exact Sciences
Classification: Uncertain significance for NR0B2-related condition. Last evaluated: 2022-08-31. Review status: criteria provided, single submitter. Criteria: ACMG Guidelines, 2015. Collection method: clinical testing. Allele origin: germline.
Comment: The NR0B2 c.769A>G variant is predicted to result in the amino acid substitution p.Arg257Gly. To our knowledge, this variant has not been reported in the literature or in a large population database, indicating this variant is rare. At this time, the clinical significance of this variant is uncertain due to the absence of conclusive functional and genetic evidence.